The following is an entry in ClinVar:

ClinVar aggregate classification (germline): Benign. Review status: reviewed by expert panel (3 of 4 stars). 2 submissions from 2 submitters: Benign (1). 1 of the submissions does not count toward it. Last evaluated 2022-06-30.

Conditions:
Hereditary thrombocytopenia and hematologic cancer predisposition syndrome. Identifiers: Orphanet 71290, MedGen CN281654, MONDO:0011071.
Hereditary thrombocytopenia and hematological cancer predisposition syndrome associated with RUNX1. Also called: PLATELET DISORDER, ASPIRIN-LIKE; RUNX1 Familial Platelet Disorder with Associated Myeloid Malignancies; Familial Platelet Disorder with Propensity to Acute Myelogenous Leukemia; Familial thrombocytopenia with propensity to acute myelogenous leukemia. Identifiers: Orphanet 71290, MedGen C1832388, MeSH C563324, MONDO:0100083, OMIM 601399.

Allele frequency attached by ClinVar (database versions not stated): gnomAD exomes 0.01565; gnomAD 0.02318 and 0.02343; TOPMed 0.02519; 1000 Genomes Project 0.03175.
gnomAD v4.1: 4,821 of 233,398 alleles (2.1%); highest among the groups gnomAD compares: African/African-American, 4.7%; 90 homozygotes.

Submissions (2):

ClinGen Myeloid Malignancy Variant Curation Expert Panel
Classification: Benign for Hereditary thrombocytopenia and hematologic cancer predisposition syndrome. Last evaluated: 2022-06-30. Review status: reviewed by expert panel. Criteria: ClinGen MyeloMalig ACMG Specifications v2. Collection method: curation. Allele origin: germline. Inheritance: Autosomal dominant inheritance.
Comment: NM_001754.4(RUNX1):c.*919A>G is a 3' UTR variant. MAF of 0.04974 (4.974%, 433/8706 alleles) in the African subpopulation in gnomAD v.2.1.1 cohort is ≥ 0.0015 (0.15%)(BA1) and 9 homozygotes found on gnomAD (BP2).In summary, this variant meets the criteria to be classified as benign. ACMG/AMP criteria applied, as specified by the Myeloid Malignancy Variant Curation Expert Panel for RUNX1: BA1 and BP2

Illumina Laboratory Services, Illumina
Classification: Benign for Hereditary thrombocytopenia and hematological cancer predisposition syndrome associated with RUNX1. Last evaluated: 2018-01-13. Review status: criteria provided, single submitter. Criteria: ICSL Variant Classification Criteria 13 December 2019. Collection method: clinical testing. Allele origin: germline. Not counted in ClinVar's aggregate classification.
Comment: This variant was observed in the ICSL laboratory as part of a predisposition screen in an ostensibly healthy population. It had not been previously curated by ICSL or reported in the Human Gene Mutation Database (HGMD: prior to June 1st, 2018), and was therefore a candidate for classification through an automated scoring system. Utilizing variant allele frequency, disease prevalence and penetrance estimates, and inheritance mode, an automated score was calculated to assess if this variant is too frequent to cause the disease. Based on the score and internal cut-off values, a variant classified as benign is not then subjected to further curation. The score for this variant resulted in a classification of benign for this disease.

NM_001754.5(RUNX1):c.*919A>G

Gene: RUNX1 (RUNX family transcription factor 1; minus strand). Cytogenetic location: 21q22.12.
Variant type: single nucleotide variant.
Coding change: c.*919A>G on transcript NM_001754.5 (MANE Select); 919 bases downstream of the stop codon, A replaced by G.
Molecular consequence: 3 prime UTR variant.
Genome position (GRCh38, 1-based): chr21:34,791,216, T>C on the plus strand (A>G on the coding strand, the complement: RUNX1 is on the minus strand). VCF-style: chr21-34791216-T-C. GRCh37 (hg19) VCF-style: chr21-36163513-T-C.
Other names: c.*919A>G (NM_001001890.3).
Identifiers: ClinVar variation 339853 (VCV000339853.6), dbSNP rs8131520, ClinGen allele CA10652927.